The following is an entry in ClinVar:

NM_000079.4(CHRNA1):c.324A>C (p.Pro108=)

Gene: CHRNA1 (cholinergic receptor nicotinic alpha 1 subunit; minus strand). Cytogenetic location: 2q31.1.
Variant type: single nucleotide variant.
Coding change: c.324A>C on transcript NM_000079.4 (MANE Select); coding-DNA position 324, A replaced by C.
Protein change: p.Pro108=; no amino-acid change (proline 108 retained).
Molecular consequence: synonymous variant.
Genome position (GRCh38, 1-based): chr2:174,757,586, T>G on the plus strand (A>C on the coding strand, the complement: CHRNA1 is on the minus strand). VCF-style: chr2-174757586-T-G. GRCh37 (hg19) VCF-style: chr2-175622314-T-G.
Other names: c.399A>C, p.Pro133= (NM_001039523.3); c.399A>C (NM_001039523.2).
Identifiers: ClinVar variation 1134353 (VCV001134353.11), dbSNP rs199555685, ClinGen allele CA1974590.

ClinVar aggregate classification (germline): Likely benign. Review status: criteria provided, single submitter (1 of 4 stars). 2 submissions from 2 submitters: Likely benign (1). 1 of the submissions does not count toward it. Last evaluated 2025-02-17.

Conditions:
CHRNA1-related disorder. Also called: CHRNA1-related condition.
Lethal multiple pterygium syndrome (LMPS). Identifiers: Orphanet 33108, MedGen C1854678, MONDO:0009668, OMIM 253290.

Allele frequency attached by ClinVar (database versions not stated): gnomAD 0.00011; gnomAD exomes 0.00014; 1000 Genomes Project 30x 0.00016; ExAC 0.00018; 1000 Genomes Project 0.00020.

Submissions (2):

Labcorp Genetics (formerly Invitae), Labcorp
Classification: Likely benign for Lethal multiple pterygium syndrome. Last evaluated: 2025-02-17. Review status: criteria provided, single submitter. Criteria: Invitae Variant Classification Sherloc (09022015). Collection method: clinical testing. Allele origin: germline.

PreventionGenetics, part of Exact Sciences
Classification: Likely benign for CHRNA1-related condition. Last evaluated: 2019-12-30. Review status: no assertion criteria provided. Collection method: clinical testing. Allele origin: germline. Not counted in ClinVar's aggregate classification.
Comment: This variant is classified as likely benign based on ACMG/AMP sequence variant interpretation guidelines (Richards et al. 2015 PMID: 25741868, with internal and published modifications).